The following is an entry in ClinVar:

ClinVar aggregate classification (germline): Uncertain significance. Review status: criteria provided, multiple submitters, no conflicts (2 of 4 stars). 2 submissions from 2 submitters: Uncertain significance (2). Last evaluated 2025-03-05.

Conditions:
Hereditary spastic paraplegia 11. Also called: Spastic paraplegia, mental retardation and thin corpus callosum; SPASTIC PARAPLEGIA, AUTOSOMAL RECESSIVE, COMPLICATED, WITH THIN CORPUS CALLOSUM; SPASTIC PARAPLEGIA, AUTOSOMAL RECESSIVE, WITH MENTAL IMPAIRMENT AND THIN CORPUS CALLOSUM; Spastic Paraplegia 11; Nakamura Osame syndrome; Autosomal recessive hereditary spastic paraplegia, mental impairment, and thin corpus callosum. Identifiers: Orphanet 2822, MedGen C1858479, MONDO:0011445, OMIM 604360.

Submissions (2):

Mayo Clinic Laboratories, Mayo Clinic
Classification: Uncertain significance. Last evaluated: 2025-03-05. Review status: criteria provided, single submitter. Criteria: ACMG Guidelines, 2015. Collection method: clinical testing. Allele origin: germline. Observed: 1 variant allele.
Comment: BP4_strong, PM2_supporting

Labcorp Genetics (formerly Invitae), Labcorp
Classification: Uncertain significance for Hereditary spastic paraplegia 11. Last evaluated: 2024-10-27. Review status: criteria provided, single submitter. Criteria: Invitae Variant Classification Sherloc (09022015). Collection method: clinical testing. Allele origin: germline.
Comment: This sequence change replaces proline, which is neutral and non-polar, with serine, which is neutral and polar, at codon 1136 of the SPG11 protein (p.Pro1136Ser). This variant is not present in population databases (gnomAD no frequency). This variant has not been reported in the literature in individuals affected with SPG11-related conditions. Invitae Evidence Modeling of protein sequence and biophysical properties (such as structural, functional, and spatial information, amino acid conservation, physicochemical variation, residue mobility, and thermodynamic stability) indicates that this missense variant is not expected to disrupt SPG11 protein function with a negative predictive value of 80%. In summary, the available evidence is currently insufficient to determine the role of this variant in disease. Therefore, it has been classified as a Variant of Uncertain Significance.

NM_025137.4(SPG11):c.3406C>T (p.Pro1136Ser)

Gene: SPG11 (SPG11 vesicle trafficking associated, spatacsin; minus strand). Cytogenetic location: 15q21.1.
Variant type: single nucleotide variant.
Coding change: c.3406C>T on transcript NM_025137.4 (MANE Select); coding-DNA position 3406, C replaced by T.
Protein change: p.Pro1136Ser; replaces proline 1136 with serine.
Molecular consequence: missense variant.
Genome position (GRCh38, 1-based): chr15:44,608,491, G>A on the plus strand (C>T on the coding strand, the complement: SPG11 is on the minus strand). VCF-style: chr15-44608491-G-A. GRCh37 (hg19) VCF-style: chr15-44900689-G-A.
Other names: p.Pro1136Ser; c.3406C>T, p.Pro1136Ser (NM_001160227.2, NM_001411132.1); short protein forms P1136S.
Identifiers: ClinVar variation 3680810 (VCV003680810.3).